The following is an entry in ClinVar:

NC_000001.10:g.(?_76214646)_(76216163_?)del

Gene: ACADM (acyl-CoA dehydrogenase medium chain; plus strand). Cytogenetic location: 1p31.1.
Variant type: Deletion.
Identifiers: ClinVar variation 3247654 (VCV003247654.1).

ClinVar aggregate classification (germline): Pathogenic (1 of 4 stars; one submission).

Conditions:
Medium-chain acyl-coenzyme A dehydrogenase deficiency (ACADMD). Also called: Medium chain acyl-CoA dehydrogenase deficiency; CARNITINE DEFICIENCY SECONDARY TO MEDIUM-CHAIN ACYL-CoA DEHYDROGENASE DEFICIENCY; MCAD Deficiency; MCADH DEFICIENCY; ACADM DEFICIENCY; MCADD. Identifiers: Orphanet 42, MedGen C0220710, MONDO:0008721, OMIM 201450.

Submission:

Labcorp Genetics (formerly Invitae), Labcorp
Classification: Pathogenic for Medium-chain acyl-coenzyme A dehydrogenase deficiency. Last evaluated: 2023-03-10. Review status: criteria provided, single submitter. Criteria: Invitae Variant Classification Sherloc (09022015). Collection method: clinical testing. Allele origin: unknown.
Comment: For these reasons, this variant has been classified as Pathogenic. This variant disrupts a region of the ACADM protein in which other variant(s) (p.Asp266Gly) have been determined to be pathogenic (PMID: 19224950, 19780764, 22542437, 24718418; Invitae). This suggests that this is a clinically significant region of the protein, and that variants that disrupt it are likely to be disease-causing. Experimental studies and prediction algorithms are not available or were not evaluated, and the functional significance of this variant is currently unknown. This variant has not been reported in the literature in individuals affected with ACADM-related conditions. This variant results in the deletion of exon 9 and part of exon 10 (c.709-458_877del) of the ACADM gene. It is expected to disrupt RNA splicing. Variants that disrupt the donor or acceptor splice site typically lead to a loss of protein function (PMID: 16199547), and loss-of-function variants in ACADM are known to be pathogenic (PMID: 16121256, 20434380).

Literature cited by the submitters: PubMed 19224950; PubMed 19780764; PubMed 22542437; PubMed 24718418; PubMed 16199547; PubMed 16121256; PubMed 20434380.